The following is an entry in ClinVar:

NM_006059.4(LAMC3):c.2314G>C (p.Val772Leu)

Gene: LAMC3 (laminin subunit gamma 3; plus strand). Cytogenetic location: 9q34.12.
Variant type: single nucleotide variant.
Coding change: c.2314G>C on transcript NM_006059.4 (MANE Select); coding-DNA position 2314, G replaced by C.
Protein change: p.Val772Leu; replaces valine 772 with leucine.
Molecular consequence: missense variant.
Genome position (GRCh38, 1-based): chr9:131,061,190, G>C. VCF-style: chr9-131061190-G-C. GRCh37 (hg19) VCF-style: chr9-133936577-G-C.
Other names: short protein forms V772L.
Identifiers: ClinVar variation 4713824 (VCV004713824.1).
Genomic context (GRCh38, chr9:131,061,190, plus strand): 5'-TGCCAGCCCTGTCCCTGCCCTGGCCAGTCGGCCTGTACGACCATCCCAGAGAGCCGGGAG[G>C]TGGTGTGTACCCACTGCCCCCCGGGCCAGAGAGGTAAGTGACTCCTGCCCCGGAGCCCTG-3'
Protein context (NP_006050.3, residues 762-782): ACTTIPESRE[Val772Leu]VCTHCPPGQR

ClinVar aggregate classification (germline): Uncertain significance (1 of 4 stars; one submission).

Submission:

Labcorp Genetics (formerly Invitae), Labcorp
Classification: Uncertain significance. Last evaluated: 2025-02-26. Review status: criteria provided, single submitter. Criteria: Invitae Variant Classification Sherloc (09022015). Collection method: clinical testing. Allele origin: germline.
Comment: This sequence change replaces valine, which is neutral and non-polar, with leucine, which is neutral and non-polar, at codon 772 of the LAMC3 protein (p.Val772Leu). This variant is not present in population databases (gnomAD no frequency). This variant has not been reported in the literature in individuals affected with LAMC3-related conditions. An algorithm developed to predict the effect of missense changes on protein structure and function (PolyPhen-2) suggests that this variant is likely to be disruptive. In summary, the available evidence is currently insufficient to determine the role of this variant in disease. Therefore, it has been classified as a Variant of Uncertain Significance.